The following is an entry in ClinVar:

NM_002474.3(MYH11):c.5360_5362dup (p.Arg1787_Gln1788insArg)

Genes: MYH11 (myosin heavy chain 11; minus strand), NDE1 (nudE neurodevelopment protein 1; plus strand). Cytogenetic location: 16p13.11.
Variant type: Duplication.
Coding change: c.5360_5362dup on transcript NM_002474.3 (MANE Select); coding-DNA positions 5360 to 5362, 3 bases duplicated (GGC; older notation c.5360_5362dupGGC).
Protein change: p.Arg1787_Gln1788insArg.
Molecular consequence: inframe insertion. On other transcripts: intron variant (2).
Genome position (GRCh38, 1-based): chr16:15,717,282-15,717,284, GCC duplicated on the plus strand (GGC on the coding strand, the reverse complement: MYH11 is on the minus strand); duplicating any 3 consecutive bases within chr16:15,717,282-15,717,285 gives the same sequence; the c. name uses the placement nearest the transcript's 3' end. VCF-style (leftmost placement, unchanged base first): chr16-15717281-T-TGCC. GRCh37 (hg19) VCF-style: chr16-15811138-T-TGCC.
Other names: c.5381_5383dup, p.Arg1794_Gln1795insArg (NM_001040113.2, NM_001040114.2); c.5360_5362dup, p.Arg1787_Gln1788insArg (NM_022844.3); c.948-6908_948-6906dup (NM_001143979.2, NM_017668.3).
Identifiers: ClinVar variation 650077 (VCV000650077.10), dbSNP rs1596704972, ClinGen allele CA915946324.

ClinVar aggregate classification (germline): Uncertain significance (1 of 4 stars; one submission).

Conditions:
Aortic aneurysm, familial thoracic 4 (AAT4). Also called: AORTIC ANEURYSM/AORTIC DISSECTION AND PATENT DUCTUS ARTERIOSUS. Identifiers: MedGen C1851504, MONDO:0007568, OMIM 132900.

Submission:

Labcorp Genetics (formerly Invitae), Labcorp
Classification: Uncertain significance for Aortic aneurysm, familial thoracic 4. Last evaluated: 2022-06-13. Review status: criteria provided, single submitter. Criteria: Invitae Variant Classification Sherloc (09022015). Collection method: clinical testing. Allele origin: germline.
Comment: Experimental studies and prediction algorithms are not available or were not evaluated, and the functional significance of this variant is currently unknown. In summary, the available evidence is currently insufficient to determine the role of this variant in disease. Therefore, it has been classified as a Variant of Uncertain Significance. ClinVar contains an entry for this variant (Variation ID: 650077). This variant has not been reported in the literature in individuals affected with MYH11-related conditions. This variant is not present in population databases (gnomAD no frequency). This variant, c.5381_5383dup, results in the insertion of 1 amino acid(s) of the MYH11 protein (p.Arg1794dup), but otherwise preserves the integrity of the reading frame.